The following is an entry in ClinVar:

ClinVar aggregate classification (germline): Pathogenic (1 of 4 stars; one submission).

Conditions:
RYR1-related disorder. Also called: RYR1-related condition; RYR1-related disorders. Identifiers: MedGen CN239331.

Submission:

Labcorp Genetics (formerly Invitae), Labcorp
Classification: Pathogenic for RYR1-related disorder. Last evaluated: 2022-09-27. Review status: criteria provided, single submitter. Criteria: Invitae Variant Classification Sherloc (09022015). Collection method: clinical testing. Allele origin: germline.
Comment: This sequence change creates a premature translational stop signal (p.Ala431Argfs*74) in the RYR1 gene. It is expected to result in an absent or disrupted protein product. Loss-of-function variants in RYR1 are known to be pathogenic (PMID: 20583297, 20839240, 23919265, 28818389). For these reasons, this variant has been classified as Pathogenic. This variant has not been reported in the literature in individuals affected with RYR1-related conditions. This variant is not present in population databases (gnomAD no frequency).

Literature cited by the submitters: PubMed 20583297; PubMed 20839240; PubMed 23919265; PubMed 28818389.

NM_000540.3(RYR1):c.1290dup (p.Ala431fs)

Gene: RYR1 (ryanodine receptor 1; plus strand). Cytogenetic location: 19q13.2.
Variant type: Duplication.
Coding change: c.1290dup on transcript NM_000540.3 (MANE Select); coding-DNA position 1290, one base duplicated (C; older notation c.1290dupC).
Protein change: p.Ala431fs; shifts the reading frame from alanine 431.
Molecular consequence: frameshift variant.
Genome position (GRCh38, 1-based): chr19:38,452,864, C duplicated; the last of 3 consecutive C bases (chr19:38,452,862-38,452,864); duplicating any one gives the same sequence. VCF-style (leftmost placement, unchanged base first): chr19-38452861-A-AC. GRCh37 (hg19) VCF-style: chr19-38943501-A-AC.
Other names: c.1290dup, p.Ala431fs (NM_001042723.2); short protein forms A431fs.
Identifiers: ClinVar variation 2025152 (VCV002025152.4), dbSNP rs1273881385, ClinGen allele CA2580096929.